The following is an entry in ClinVar:

ClinVar aggregate classification (germline): Pathogenic (1 of 4 stars; one submission).

Conditions:
Mucopolysaccharidosis type 1. Also called: IDUA deficiency; MPS I; Mucopolysaccharidosis Type I. Identifiers: Orphanet 579, MedGen C0023786, MONDO:0001586.

Submission:

Myriad Genetics, Inc.
Classification: Pathogenic for Mucopolysaccharidosis type 1. Last evaluated: 2023-09-27. Review status: criteria provided, single submitter. Criteria: Myriad Autosomal Dominant, Autosomal Recessive and X-Linked Classification Criteria (2023). Collection method: clinical testing. Allele origin: unknown.
Comment: NM_000203.3(IDUA):c.1229_1230insG(V411Rfs*98) is expected to be pathogenic in the context of mucopolysaccharidosis type I. This variant is predicted to lead to an abnormal or absent protein product due to the creation of a premature termination codon in IDUA, a gene where loss-of-function variants are known to be pathogenic. Please note: this variant was assessed in the context of healthy population screening.

NM_000203.5(IDUA):c.1229_1230insG (p.Val411fs)

Gene: IDUA (alpha-L-iduronidase; plus strand). Cytogenetic location: 4p16.3.
Variant type: Insertion.
Coding change: c.1229_1230insG on transcript NM_000203.5 (MANE Select); coding-DNA positions 1229 to 1230, G inserted.
Protein change: p.Val411fs; shifts the reading frame from valine 411.
Molecular consequence: frameshift variant. On other transcripts: non-coding transcript variant (1).
Genome position: GRCh38 VCF-style: chr4-1002771-C-CG. GRCh37 (hg19) VCF-style: chr4-996559-C-CG.
Other names: c.833_834insG, p.Val279fs (NM_001363576.1); short protein forms V279fs, V411fs.
Identifiers: ClinVar variation 5011929 (VCV005011929.1).
Genomic context (GRCh38, chr4:1,002,771, plus strand): 5'-CGGCCCCCCCCCGCCCCGCAGATGAGGAGCAGCTCTGGGCCGAAGTGTCGCAGGCCGGGA[C>CG]CGTCCTGGACAGCAACCACACGGTGGGCGTCCTGGCCAGCGCCCACCGCCCCCAGGGCCC-3'